The following is an entry in ClinVar:

ClinVar aggregate classification (germline): Uncertain significance (1 of 4 stars; one submission).

Allele frequency attached by ClinVar (database versions not stated): gnomAD exomes 0.00006 and 0.00008; ExAC 0.00012; 1000 Genomes Project 30x 0.00016; 1000 Genomes Project 0.00020; TOPMed 0.00034; gnomAD 0.00039 and 0.00043; ESP Exome Variant Server 0.00069.
gnomAD v4.1: 152 of 1,614,158 alleles (0.0094%); highest among the groups gnomAD compares: African/African-American, 0.13%; 1 homozygote.

Submission:

Labcorp Genetics (formerly Invitae), Labcorp
Classification: Uncertain significance. Last evaluated: 2025-08-03. Review status: criteria provided, single submitter. Criteria: Invitae Variant Classification Sherloc (09022015). Collection method: clinical testing. Allele origin: germline.
Comment: This sequence change replaces glycine, which is neutral and non-polar, with aspartic acid, which is acidic and polar, at codon 1379 of the SORL1 protein (p.Gly1379Asp). This variant is present in population databases (rs148551848, gnomAD 0.07%), and has an allele count higher than expected for a pathogenic variant. This variant has not been reported in the literature in individuals affected with SORL1-related conditions. ClinVar contains an entry for this variant (Variation ID: 1507175). An algorithm developed to predict the effect of missense changes on protein structure and function (PolyPhen-2) suggests that this variant is likely to be disruptive. In summary, the available evidence is currently insufficient to determine the role of this variant in disease. Therefore, it has been classified as a Variant of Uncertain Significance.

NM_003105.6(SORL1):c.4136G>A (p.Gly1379Asp)

Gene: SORL1 (sortilin related receptor 1; plus strand). Cytogenetic location: 11q24.1.
Variant type: single nucleotide variant.
Coding change: c.4136G>A on transcript NM_003105.6 (MANE Select); coding-DNA position 4136, G replaced by A.
Protein change: p.Gly1379Asp; replaces glycine 1379 with aspartic acid.
Molecular consequence: missense variant.
Genome position (GRCh38, 1-based): chr11:121,590,097, G>A. VCF-style: chr11-121590097-G-A. GRCh37 (hg19) VCF-style: chr11-121460806-G-A.
Other names: short protein forms G1379D.
Identifiers: ClinVar variation 1507175 (VCV001507175.8), dbSNP rs148551848, ClinGen allele CA6329512.